The following is an entry in ClinVar:

ClinVar aggregate classification (germline): Pathogenic (1 of 4 stars; one submission).

Allele frequency attached by ClinVar (database versions not stated): gnomAD exomes below 0.00001; TOPMed below 0.00001; ESP Exome Variant Server 0.00008.

Submission:

Labcorp Genetics (formerly Invitae), Labcorp
Classification: Pathogenic. Last evaluated: 2024-07-23. Review status: criteria provided, single submitter. Criteria: Invitae Variant Classification Sherloc (09022015). Collection method: clinical testing. Allele origin: germline.
Comment: This sequence change creates a premature translational stop signal (p.Gln1876Hisfs*7) in the DCHS1 gene. It is expected to result in an absent or disrupted protein product. Loss-of-function variants in DCHS1 are known to be pathogenic (PMID: 24056717, 26258302). This variant is not present in population databases (gnomAD no frequency). This variant has not been reported in the literature in individuals affected with DCHS1-related conditions. For these reasons, this variant has been classified as Pathogenic.

Literature cited by the submitters: PubMed 24056717; PubMed 26258302.

NM_003737.4(DCHS1):c.5624_5627dup (p.Gln1876fs)

Gene: DCHS1 (dachsous cadherin-related 1; minus strand). Cytogenetic location: 11p15.4.
Variant type: Duplication.
Coding change: c.5624_5627dup on transcript NM_003737.4 (MANE Select); coding-DNA positions 5624 to 5627, 4 bases duplicated (TGCA; older notation c.5624_5627dupTGCA).
Protein change: p.Gln1876fs; shifts the reading frame from glutamine 1876.
Molecular consequence: frameshift variant.
Genome position (GRCh38, 1-based): chr11:6,627,412-6,627,415, TGCA duplicated on the plus strand (TGCA on the coding strand, the reverse complement: DCHS1 is on the minus strand). VCF-style (leftmost placement, unchanged base first): chr11-6627411-C-CTGCA. GRCh37 (hg19) VCF-style: chr11-6648642-C-CTGCA.
Other names: short protein forms Q1876fs.
Identifiers: ClinVar variation 3007006 (VCV003007006.3), dbSNP rs1040427770, ClinGen allele CA217297345.